The following is an entry in ClinVar:

ClinVar aggregate classification (germline): Uncertain significance (1 of 4 stars; one submission).

Conditions:
Ehlers-Danlos syndrome, classic type, 1 (EDSCL1). Also called: EHLERS-DANLOS SYNDROME, GRAVIS TYPE; EHLERS-DANLOS SYNDROME, SEVERE CLASSIC TYPE; Ehlers-Danlos syndrome, type 1; Ehlers-Danlos Syndrome, Classic Type, COL5A1-Related; EDS I. Identifiers: MedGen C0268335, MONDO:0019567, OMIM 130000.

Submission:

Labcorp Genetics (formerly Invitae), Labcorp
Classification: Uncertain significance for Ehlers-Danlos syndrome, classic type, 1. Last evaluated: 2025-01-18. Review status: criteria provided, single submitter. Criteria: Invitae Variant Classification Sherloc (09022015). Collection method: clinical testing. Allele origin: germline.
Comment: This sequence change creates a premature translational stop signal (p.Val1469Cysfs*24) in the COL5A2 gene. While this is not anticipated to result in nonsense mediated decay, it is expected to disrupt the last 31 amino acid(s) of the COL5A2 protein. This variant is not present in population databases (gnomAD no frequency). This variant has not been reported in the literature in individuals affected with COL5A2-related conditions. This variant disrupts a region of the COL5A2 protein in which other variant(s) (p.Gly1484Asp) have been observed in individuals with COL5A2-related conditions (internal data). This suggests that this is a clinically significant region of the protein, and that variants that disrupt it are likely to be disease-causing. In summary, the available evidence is currently insufficient to determine the role of this variant in disease. Therefore, it has been classified as a Variant of Uncertain Significance.

NM_000393.5(COL5A2):c.4404dup (p.Val1469fs)

Gene: COL5A2 (collagen type V alpha 2 chain; minus strand). Cytogenetic location: 2q32.2.
Variant type: Duplication.
Coding change: c.4404dup on transcript NM_000393.5 (MANE Select); coding-DNA position 4404, one base duplicated (T; older notation c.4404dupT).
Protein change: p.Val1469fs; shifts the reading frame from valine 1469.
Molecular consequence: frameshift variant.
Genome position (GRCh38, 1-based): chr2:189,034,166, A duplicated on the plus strand (T on the coding strand, the reverse complement: COL5A2 is on the minus strand). VCF-style (leftmost placement, unchanged base first): chr2-189034165-C-CA. GRCh37 (hg19) VCF-style: chr2-189898891-C-CA.
Other names: short protein forms V1469fs.
Identifiers: ClinVar variation 3729141 (VCV003729141.2).